The following is an entry in ClinVar:

ClinVar aggregate classification (germline): Pathogenic (1 of 4 stars; one submission).

Conditions:
Duchenne muscular dystrophy (DMD). Also called: MUSCULAR DYSTROPHY, PSEUDOHYPERTROPHIC PROGRESSIVE, DUCHENNE TYPE; Duchenne Muscular Dystrophy (DMD). Identifiers: Orphanet 98896, MedGen C0013264, MONDO:0010679, OMIM 310200.

Submission:

Labcorp Genetics (formerly Invitae), Labcorp
Classification: Pathogenic for Duchenne muscular dystrophy. Last evaluated: 2025-02-13. Review status: criteria provided, single submitter. Criteria: Invitae Variant Classification Sherloc (09022015). Collection method: clinical testing. Allele origin: germline.
Comment: This sequence change creates a premature translational stop signal (p.Gln841*) in the DMD gene. It is expected to result in an absent or disrupted protein product. Loss-of-function variants in DMD are known to be pathogenic (PMID: 16770791, 25007885). This variant is not present in population databases (gnomAD no frequency). This premature translational stop signal has been observed in individuals with Duchenne muscular dystrophy (PMID: 17041906, 19937601). ClinVar contains an entry for this variant (Variation ID: 1072122). For these reasons, this variant has been classified as Pathogenic.

Literature cited by the submitters: PubMed 16770791; PubMed 25007885; PubMed 17041906; PubMed 19937601.

NM_004006.3(DMD):c.2521C>T (p.Gln841Ter)

Gene: DMD (dystrophin; minus strand). Cytogenetic location: Xp21.1.
Variant type: single nucleotide variant.
Coding change: c.2521C>T on transcript NM_004006.3 (MANE Select); coding-DNA position 2521, C replaced by T.
Protein change: p.Gln841Ter; replaces glutamine 841 with a stop codon.
Molecular consequence: nonsense.
Genome position (GRCh38, 1-based): chrX:32,491,378, G>A on the plus strand (C>T on the coding strand, the complement: DMD is on the minus strand). VCF-style: chrX-32491378-G-A. GRCh37 (hg19) VCF-style: chrX-32509495-G-A.
Other names: c.2497C>T, p.Gln833Ter (NM_000109.4); c.2509C>T, p.Gln837Ter (NM_004009.3); c.2152C>T, p.Gln718Ter (NM_004010.3); short protein forms Q718*, Q833*, Q837*, Q841*.
Identifiers: ClinVar variation 1072122 (VCV001072122.10), dbSNP rs2148631382, ClinGen allele CA412672250.